The following is an entry in ClinVar:

ClinVar aggregate classification (germline): Likely benign (1 of 4 stars; one submission).

gnomAD v4.1: 582 of 696,922 alleles (0.084%); highest among the groups gnomAD compares: African/African-American, 0.81%; 2 homozygotes.

Submission:

CeGaT Center for Human Genetics Tuebingen
Classification: Likely benign. Last evaluated: 2026-06-01. Review status: criteria provided, single submitter. Criteria: CeGaT Center For Human Genetics Tuebingen Variant Classification Criteria Version 2. Collection method: clinical testing. Allele origin: germline. Affected: yes. Observed: 2 variant alleles.
Comment: KCNN2: BS1

NM_021614.4(KCNN2):c.440C>A (p.Ser147Tyr)

Gene: KCNN2 (potassium calcium-activated channel subfamily N member 2; plus strand). Cytogenetic location: 5q22.3.
Variant type: single nucleotide variant.
Coding change: c.440C>A on transcript NM_021614.4 (MANE Select); coding-DNA position 440, C replaced by A.
Protein change: p.Ser147Tyr; replaces serine 147 with tyrosine.
Molecular consequence: missense variant. On other transcripts: non-coding transcript variant (1).
Genome position (GRCh38, 1-based): chr5:114,362,579, C>A. VCF-style: chr5-114362579-C-A. GRCh37 (hg19) VCF-style: chr5-113698276-C-A.
Other names: c.638C>A, p.Ser213Tyr (NM_001372233.1); short protein forms S147Y, S213Y.
Identifiers: ClinVar variation 3905404 (VCV003905404.10).